The following is an entry in ClinVar:

NM_001003800.2(BICD2):c.2217C>G (p.Asp739Glu)

Gene: BICD2 (BICD cargo adaptor 2; minus strand). Cytogenetic location: 9q22.31.
Variant type: single nucleotide variant.
Coding change: c.2217C>G on transcript NM_001003800.2 (MANE Select); coding-DNA position 2217, C replaced by G.
Protein change: p.Asp739Glu; replaces aspartic acid 739 with glutamic acid.
Molecular consequence: missense variant.
Genome position (GRCh38, 1-based): chr9:92,717,838, G>C on the plus strand (C>G on the coding strand, the complement: BICD2 is on the minus strand). VCF-style: chr9-92717838-G-C. GRCh37 (hg19) VCF-style: chr9-95480120-G-C.
Other names: c.2217C>G, p.Asp739Glu (NM_015250.4); short protein forms D739E.
Identifiers: ClinVar variation 3609970 (VCV003609970.2).
Genomic context (GRCh38, chr9:92,717,838, plus strand): 5'-CCGACAGCAGCACGGTTACCTGGTGGCAAACATAGCACGCAGCGAGGAGAAGGTGGCTGC[G>C]TCCTCCTTGAGGGCCTTGAGCTCATTGCGCAGCTTCATCATGGTCTCGGTAACCATGGCC-3'
Protein context (NP_001003800.1, residues 729-749): LRNELKALKE[Asp739Glu]AATFSSLRAM

ClinVar aggregate classification (germline): Uncertain significance (1 of 4 stars; one submission).

Conditions:
Autosomal dominant childhood-onset proximal spinal muscular atrophy with contractures (SMALED2A). Also called: SPINAL MUSCULAR ATROPHY, LOWER EXTREMITY-PREDOMINANT, 2A, CHILDHOOD ONSET, AUTOSOMAL DOMINANT; Spinal muscular atrophy, lower extremity-predominant, 2A, autosomal dominant. Identifiers: Orphanet 363447, Orphanet 363454, MedGen C4747715, MONDO:0014121, OMIM 615290.

Submission:

Labcorp Genetics (formerly Invitae), Labcorp
Classification: Uncertain significance for Autosomal dominant childhood-onset proximal spinal muscular atrophy with contractures. Last evaluated: 2025-03-31. Review status: criteria provided, single submitter. Criteria: Invitae Variant Classification Sherloc (09022015). Collection method: clinical testing. Allele origin: germline.
Comment: This sequence change replaces aspartic acid, which is acidic and polar, with glutamic acid, which is acidic and polar, at codon 739 of the BICD2 protein (p.Asp739Glu). This variant is not present in population databases (gnomAD no frequency). This variant has not been reported in the literature in individuals affected with BICD2-related conditions. Invitae Evidence Modeling of protein sequence and biophysical properties (such as structural, functional, and spatial information, amino acid conservation, physicochemical variation, residue mobility, and thermodynamic stability) indicates that this missense variant is not expected to disrupt BICD2 protein function with a negative predictive value of 80%. In summary, the available evidence is currently insufficient to determine the role of this variant in disease. Therefore, it has been classified as a Variant of Uncertain Significance.